The following is an entry in ClinVar:

NM_000321.3(RB1):c.862-15C>A

Gene: RB1 (RB transcriptional corepressor 1; plus strand). Cytogenetic location: 13q14.2.
Variant type: single nucleotide variant.
Coding change: c.862-15C>A on transcript NM_000321.3 (MANE Select); 15 bases into the intron before coding-DNA position 862, C replaced by A.
Molecular consequence: intron variant.
Genome position (GRCh38, 1-based): chr13:48,364,879, C>A. VCF-style: chr13-48364879-C-A. GRCh37 (hg19) VCF-style: chr13-48939015-C-A.
Identifiers: ClinVar variation 312286 (VCV000312286.31), dbSNP rs115108608, ClinGen allele CA039677.

ClinVar aggregate classification (germline): Benign/Likely benign. Review status: criteria provided, multiple submitters, no conflicts (2 of 4 stars). 8 submissions from 8 submitters: Benign (4); Likely benign (4). Last evaluated 2026-06-01.

Conditions:
Retinoblastoma (RB1). Also called: RETINOBLASTOMA, SOMATIC. Identifiers: Orphanet 790, MedGen C0035335, MeSH D012175, MONDO:0008380, OMIM 180200, HP:0009919. Disease mechanism: loss of function. Inheritance: Both sporadic and heritable forms are tested..

Allele frequency attached by ClinVar (database versions not stated): gnomAD exomes 0.00035 and 0.00073; ExAC 0.00161; ESP Exome Variant Server 0.00330; 1000 Genomes Project 0.00379; gnomAD 0.00412 and 0.00442; 1000 Genomes Project 30x 0.00437; TOPMed 0.00447.
gnomAD v4.1: 1,135 of 1,548,890 alleles (0.073%); highest among the groups gnomAD compares: African/African-American, 1.4%; 3 homozygotes.

Submissions (8):

CeGaT Center for Human Genetics Tuebingen
Classification: Likely benign. Last evaluated: 2026-06-01. Review status: criteria provided, single submitter. Criteria: CeGaT Center For Human Genetics Tuebingen Variant Classification Criteria Version 2. Collection method: clinical testing. Allele origin: germline. Affected: yes. Observed: 5 variant alleles.
Comment: RB1: BS1

Labcorp Genetics (formerly Invitae), Labcorp
Classification: Benign for Retinoblastoma. Last evaluated: 2026-02-03. Review status: criteria provided, single submitter. Criteria: Invitae Variant Classification Sherloc (09022015). Collection method: clinical testing. Allele origin: germline.

Myriad Genetics, Inc.
Classification: Benign for Retinoblastoma. Last evaluated: 2025-12-23. Review status: criteria provided, single submitter. Criteria: Myriad Autosomal Dominant, Autosomal Recessive and X-Linked Classification Criteria (2023). Collection method: clinical testing. Allele origin: unknown.
Comment: This variant is considered benign. This variant is intronic and is not expected to impact mRNA splicing. This variant has been observed at a population frequency that is significantly greater than expected given the associated disease prevalence and penetrance. Homozygosity has been confirmed in one or more individuals. As homozygosity for pathogenic variants in this gene is generally assumed to result in embryonic lethality, this variant is unlikely to be pathogenic.

Blueprint Genetics
Classification: Likely benign. Last evaluated: 2024-10-07. Review status: criteria provided, single submitter. Criteria: ACMG Guidelines, 2015. Collection method: clinical testing. Allele origin: germline.

All of Us Research Program, National Institutes of Health
Classification: Benign for Retinoblastoma. Last evaluated: 2024-02-05. Review status: criteria provided, single submitter. Criteria: ACMG Guidelines, 2015. Collection method: clinical testing. Allele origin: germline. Inheritance: Autosomal dominant inheritance. Observed: 231 variant alleles, 231 heterozygotes.
Comment: This study involves interpretation of variants in research participants for the purpose of population health screening. Participant phenotype was not available at the time of variant classification. Additional details can be found in publication PMID: 35346344, PMCID: PMC8962531

KCCC/NGS Laboratory, Kuwait Cancer Control Center
Classification: Likely benign for Retinoblastoma. Last evaluated: 2023-07-07. Review status: criteria provided, single submitter. Criteria: ACMG Guidelines, 2015. Collection method: clinical testing. Allele origin: germline. Affected: yes.

Color Diagnostics, LLC DBA Color Health
Classification: Benign for Retinoblastoma. Last evaluated: 2022-04-26. Review status: criteria provided, single submitter. Criteria: ACMG Guidelines, 2015. Collection method: clinical testing. Allele origin: germline.

GeneDx
Classification: Likely benign. Last evaluated: 2017-02-10. Review status: criteria provided, single submitter. Criteria: GeneDx Variant Classification (06012015). Collection method: clinical testing. Allele origin: germline. Affected: yes.
Comment: This variant is considered likely benign or benign based on one or more of the following criteria: it is a conservative change, it occurs at a poorly conserved position in the protein, it is predicted to be benign by multiple in silico algorithms, and/or has population frequency not consistent with disease.